The following is an entry in ClinVar:

NM_001379291.1(BRD4):c.3036G>A (p.Pro1012=)

Gene: BRD4 (bromodomain containing 4; minus strand). Cytogenetic location: 19p13.12.
Variant type: single nucleotide variant.
Coding change: c.3036G>A on transcript NM_001379291.1 (MANE Select); coding-DNA position 3036, G replaced by A.
Protein change: p.Pro1012=; no amino-acid change (proline 1012 retained).
Molecular consequence: synonymous variant.
Genome position (GRCh38, 1-based): chr19:15,243,033, C>T on the plus strand (G>A on the coding strand, the complement: BRD4 is on the minus strand). VCF-style: chr19-15243033-C-T. GRCh37 (hg19) VCF-style: chr19-15353844-C-T.
Other names: c.3036G>A, p.Pro1012= (NM_058243.3).
Identifiers: ClinVar variation 3716341 (VCV003716341.12).

ClinVar aggregate classification (germline): Likely benign. Review status: criteria provided, multiple submitters, no conflicts (2 of 4 stars). 2 submissions from 2 submitters: Likely benign (2). Last evaluated 2025-05-01.

gnomAD v4.1: 49 of 301,876 alleles (0.016%); highest among the groups gnomAD compares: South Asian, 0.046%; no homozygotes.

Submissions (2):

CeGaT Center for Human Genetics Tuebingen
Classification: Likely benign. Last evaluated: 2025-05-01. Review status: criteria provided, single submitter. Criteria: CeGaT Center For Human Genetics Tuebingen Variant Classification Criteria Version 2. Collection method: clinical testing. Allele origin: germline. Affected: yes. Observed: 1 variant allele.
Comment: BRD4: BP4, BP7

Labcorp Genetics (formerly Invitae), Labcorp
Classification: Likely benign. Last evaluated: 2024-03-26. Review status: criteria provided, single submitter. Criteria: Invitae Variant Classification Sherloc (09022015). Collection method: clinical testing. Allele origin: germline.